The following is an entry in ClinVar:

NM_015450.3(POT1):c.1172T>G (p.Val391Gly)

Gene: POT1 (protection of telomeres 1; minus strand). Cytogenetic location: 7q31.33.
Variant type: single nucleotide variant.
Coding change: c.1172T>G on transcript NM_015450.3 (MANE Select); coding-DNA position 1172, T replaced by G.
Protein change: p.Val391Gly; replaces valine 391 with glycine.
Molecular consequence: missense variant. On other transcripts: non-coding transcript variant (3).
Genome position (GRCh38, 1-based): chr7:124,841,170, A>C on the plus strand (T>G on the coding strand, the complement: POT1 is on the minus strand). VCF-style: chr7-124841170-A-C. GRCh37 (hg19) VCF-style: chr7-124481224-A-C.
Other names: c.779T>G, p.Val260Gly (NM_001042594.2); short protein forms V260G, V391G.
Identifiers: ClinVar variation 1446161 (VCV001446161.6), dbSNP rs2116462193, ClinGen allele CA369067742.
Genomic context (GRCh38, chr7:124,841,170, plus strand): 5'-ACATCTGGGGTTTTAGTTGCACCATCCTGAAAAATTATATCCAAATCGCCCTCATGTGGA[A>C]CTTCTTGCCTAAAATTATTGGCAATGAAATGATAGAAATCGATTTTGGTGTAAGCGTGAA-3'
Protein context (NP_056265.2, residues 381-401): HCPKCHLLQE[Val391Gly]PHEGDLDIIF

ClinVar aggregate classification (germline): Uncertain significance (1 of 4 stars; one submission).

Conditions:
Tumor predisposition syndrome 3 (TPDS3). Also called: LONG TELOMERE SYNDROME, POT1-RELATED; POT1 Tumor Predisposition; Glioma susceptibility 9; Melanoma, cutaneous malignant, susceptibility to, 10. Identifiers: Orphanet 618, MedGen C4014476, MONDO:0014368, OMIM 615848.

Submission:

Labcorp Genetics (formerly Invitae), Labcorp
Classification: Uncertain significance for Tumor predisposition syndrome 3. Last evaluated: 2021-11-29. Review status: criteria provided, single submitter. Criteria: Invitae Variant Classification Sherloc (09022015). Collection method: clinical testing. Allele origin: germline.
Comment: This sequence change replaces valine, which is neutral and non-polar, with glycine, which is neutral and non-polar, at codon 391 of the POT1 protein (p.Val391Gly). This variant is not present in population databases (gnomAD no frequency). This variant has not been reported in the literature in individuals affected with POT1-related conditions. Algorithms developed to predict the effect of missense changes on protein structure and function (SIFT, PolyPhen-2, Align-GVGD) all suggest that this variant is likely to be disruptive. In summary, the available evidence is currently insufficient to determine the role of this variant in disease. Therefore, it has been classified as a Variant of Uncertain Significance.